The following is an entry in ClinVar:

NM_024009.3(GJB3):c.311G>A (p.Arg104Gln)

Gene: GJB3 (gap junction protein beta 3; plus strand). Cytogenetic location: 1p34.3.
Variant type: single nucleotide variant.
Coding change: c.311G>A on transcript NM_024009.3 (MANE Select); coding-DNA position 311, G replaced by A.
Protein change: p.Arg104Gln; replaces arginine 104 with glutamine.
Molecular consequence: missense variant.
Genome position (GRCh38, 1-based): chr1:34,785,073, G>A. VCF-style: chr1-34785073-G-A. GRCh37 (hg19) VCF-style: chr1-35250674-G-A.
Other names: c.311G>A (NM_024009.2); c.311G>A, p.Arg104Gln (NM_001005752.2); short protein forms R104Q.
Identifiers: ClinVar variation 2067062 (VCV002067062.8), dbSNP rs200690266, ClinGen allele CA754805.

ClinVar aggregate classification (germline): Uncertain significance. Review status: criteria provided, multiple submitters, no conflicts (2 of 4 stars). 4 submissions from 4 submitters: Uncertain significance (4). Last evaluated 2025-12-23.

Conditions:
GJB3-related disorder. Also called: GJB3-related condition.
Inborn genetic diseases. Identifiers: MedGen C0950123, MeSH D030342.

Allele frequency attached by ClinVar (database versions not stated): ExAC 0.00005; gnomAD exomes 0.00007; TOPMed 0.00008; 1000 Genomes Project 30x 0.00016.

Submissions (4):

PreventionGenetics, part of Exact Sciences
Classification: Uncertain significance for GJB3-related condition. Last evaluated: 2025-12-23. Review status: criteria provided, single submitter. Criteria: ACMG Guidelines, 2015. Collection method: clinical testing. Allele origin: germline.
Comment: The GJB3 c.311G>A variant is predicted to result in the amino acid substitution p.Arg104Gln. To our knowledge, this variant has not been reported in the literature. This variant is reported in 0.020% of alleles in individuals of East Asian descent in gnomAD. At this time, the clinical significance of this variant is uncertain due to the absence of conclusive functional and genetic evidence.

Labcorp Genetics (formerly Invitae), Labcorp
Classification: Uncertain significance. Last evaluated: 2025-07-07. Review status: criteria provided, single submitter. Criteria: Invitae Variant Classification Sherloc (09022015). Collection method: clinical testing. Allele origin: germline.
Comment: This sequence change replaces arginine, which is basic and polar, with glutamine, which is neutral and polar, at codon 104 of the GJB3 protein (p.Arg104Gln). This variant is present in population databases (rs200690266, gnomAD 0.02%). This variant has not been reported in the literature in individuals affected with GJB3-related conditions. ClinVar contains an entry for this variant (Variation ID: 2067062). Invitae Evidence Modeling of protein sequence and biophysical properties (such as structural, functional, and spatial information, amino acid conservation, physicochemical variation, residue mobility, and thermodynamic stability) indicates that this missense variant is not expected to disrupt GJB3 protein function with a negative predictive value of 80%. In summary, the available evidence is currently insufficient to determine the role of this variant in disease. Therefore, it has been classified as a Variant of Uncertain Significance.

Ambry Genetics
Classification: Uncertain significance for Inborn genetic diseases. Last evaluated: 2024-06-28. Review status: criteria provided, single submitter. Criteria: Ambry Variant Classification Scheme 2023. Collection method: clinical testing. Allele origin: germline.

Revvity Omics, Revvity
Classification: Uncertain significance. Last evaluated: 2022-02-22. Review status: criteria provided, single submitter. Criteria: ACMG Guidelines, 2015. Collection method: clinical testing. Allele origin: germline.